The following is an entry in ClinVar:

ClinVar aggregate classification (germline): Conflicting classifications of pathogenicity. Review status: criteria provided, conflicting classifications (1 of 4 stars). 3 submissions from 3 submitters: Uncertain significance (1); Likely benign (1). 1 of the submissions does not count toward it. Last evaluated 2026-01-28.

Conditions:
Neuronal ceroid lipofuscinosis 2. Also called: JANSKY-BIELSCHOWSKY DISEASE NEURONAL CEROID LIPOFUSCINOSIS, LATE INFANTILE; TPP1-Related Neuronal Ceroid-Lipofuscinosis. Identifiers: Orphanet 168491, Orphanet 228349, Orphanet 79264, MedGen C1876161, MONDO:0008769, OMIM 204500.

Allele frequency attached by ClinVar (database versions not stated): gnomAD 0.00002; TOPMed 0.00004.
gnomAD v4.1: 24 of 1,614,040 alleles (0.0015%); highest among the groups gnomAD compares: Admixed American, 0.038%; no homozygotes.

Submissions (3):

Labcorp Genetics (formerly Invitae), Labcorp
Classification: Likely benign. Last evaluated: 2026-01-28. Review status: criteria provided, single submitter. Criteria: Invitae Variant Classification Sherloc (09022015). Collection method: clinical testing. Allele origin: germline.

GeneDx
Classification: Uncertain significance. Last evaluated: 2025-04-03. Review status: criteria provided, single submitter. Criteria: GeneDx Variant Classification Process June 2021. Collection method: clinical testing. Allele origin: germline. Affected: yes.
Comment: In silico analysis supports that this missense variant has a deleterious effect on protein structure/function; Has not been previously published as pathogenic or benign to our knowledge; This variant is associated with the following publications: (PMID: 27535533)

Natera, Inc.
Classification: Uncertain significance for Neuronal ceroid lipofuscinosis 2. Last evaluated: 2020-03-13. Review status: no assertion criteria provided. Collection method: clinical testing. Allele origin: germline. Not counted in ClinVar's aggregate classification.

NM_000391.4(TPP1):c.425T>G (p.Val142Gly)

Gene: TPP1 (tripeptidyl peptidase 1; minus strand). Cytogenetic location: 11p15.4.
Variant type: single nucleotide variant.
Coding change: c.425T>G on transcript NM_000391.4 (MANE Select); coding-DNA position 425, T replaced by G.
Protein change: p.Val142Gly; replaces valine 142 with glycine.
Molecular consequence: missense variant.
Genome position (GRCh38, 1-based): chr11:6,617,384, A>C on the plus strand (T>G on the coding strand, the complement: TPP1 is on the minus strand). VCF-style: chr11-6617384-A-C. GRCh37 (hg19) VCF-style: chr11-6638615-A-C.
Other names: p.V142G:GTG>GGG; short protein forms V142G.
Identifiers: ClinVar variation 207571 (VCV000207571.12), dbSNP rs775217501, ClinGen allele CA319169.